The following is an entry in ClinVar:

NM_000426.4(LAMA2):c.3610C>T (p.His1204Tyr)

Gene: LAMA2 (laminin subunit alpha 2; plus strand). Cytogenetic location: 6q22.33.
Variant type: single nucleotide variant.
Coding change: c.3610C>T on transcript NM_000426.4 (MANE Select); coding-DNA position 3610, C replaced by T.
Protein change: p.His1204Tyr; replaces histidine 1204 with tyrosine.
Molecular consequence: missense variant.
Genome position (GRCh38, 1-based): chr6:129,315,530, C>T. VCF-style: chr6-129315530-C-T. GRCh37 (hg19) VCF-style: chr6-129636675-C-T.
Other names: c.3610C>T, p.His1204Tyr (NM_001079823.2); short protein forms H1204Y.
Identifiers: ClinVar variation 576059 (VCV000576059.8), dbSNP rs771668852, ClinGen allele CA3993317.

ClinVar aggregate classification (germline): Uncertain significance. Review status: criteria provided, multiple submitters, no conflicts (2 of 4 stars). 2 submissions from 2 submitters: Uncertain significance (2). Last evaluated 2021-12-08.

Conditions:
LAMA2-related muscular dystrophy (LAMA2-RD). Also called: Laminin alpha 2-related dystrophy. Identifiers: MedGen C5679788, MONDO:0100228.

Allele frequency attached by ClinVar (database versions not stated): ExAC 0.00001; gnomAD 0.00001; gnomAD exomes 0.00001 and 0.00002; TOPMed 0.00001.
gnomAD v4.1: 29 of 1,614,058 alleles (0.0018%); highest among the groups gnomAD compares: Non-Finnish European, 0.0024%; no homozygotes.

Submissions (2):

Revvity Omics, Revvity
Classification: Uncertain significance. Last evaluated: 2021-12-08. Review status: criteria provided, single submitter. Criteria: ACMG Guidelines, 2015. Collection method: clinical testing. Allele origin: germline.

Labcorp Genetics (formerly Invitae), Labcorp
Classification: Uncertain significance for LAMA2-related muscular dystrophy. Last evaluated: 2021-09-01. Review status: criteria provided, single submitter. Criteria: Invitae Variant Classification Sherloc (09022015). Collection method: clinical testing. Allele origin: germline.
Comment: This sequence change replaces histidine with tyrosine at codon 1204 of the LAMA2 protein (p.His1204Tyr). The histidine residue is moderately conserved and there is a moderate physicochemical difference between histidine and tyrosine. This variant is present in population databases (rs771668852, ExAC 0.001%). This variant has not been reported in the literature in individuals affected with LAMA2-related conditions. ClinVar contains an entry for this variant (Variation ID: 576059). Advanced modeling of protein sequence and biophysical properties (such as structural, functional, and spatial information, amino acid conservation, physicochemical variation, residue mobility, and thermodynamic stability) performed at Invitae indicates that this missense variant is not expected to disrupt LAMA2 protein function. In summary, the available evidence is currently insufficient to determine the role of this variant in disease. Therefore, it has been classified as a Variant of Uncertain Significance.